The following is an entry in ClinVar:

NM_001371986.1(UNC80):c.8387C>T (p.Pro2796Leu)

Gene: UNC80 (unc-80 subunit of NALCN channel complex; plus strand). Cytogenetic location: 2q34.
Variant type: single nucleotide variant.
Coding change: c.8387C>T on transcript NM_001371986.1 (MANE Select); coding-DNA position 8387, C replaced by T.
Protein change: p.Pro2796Leu; replaces proline 2796 with leucine.
Molecular consequence: missense variant.
Genome position (GRCh38, 1-based): chr2:209,973,070, C>T. VCF-style: chr2-209973070-C-T. GRCh37 (hg19) VCF-style: chr2-210837794-C-T.
Other names: c.8189C>T, p.Pro2730Leu (NM_032504.2); c.8174C>T, p.Pro2725Leu (NM_182587.4); short protein forms P2796L, P2725L, P2730L.
Identifiers: ClinVar variation 1489582 (VCV001489582.8), dbSNP rs2125013860, ClinGen allele CA350413118.

ClinVar aggregate classification (germline): Uncertain significance (1 of 4 stars; one submission).

Allele frequency attached by ClinVar (database versions not stated): gnomAD exomes below 0.00001.
gnomAD v4.1: 4 of 1,551,448 alleles (0.00026%); highest among the groups gnomAD compares: Non-Finnish European, 0.00035%; no homozygotes.

Submission:

Labcorp Genetics (formerly Invitae), Labcorp
Classification: Uncertain significance. Last evaluated: 2022-02-05. Review status: criteria provided, single submitter. Criteria: Invitae Variant Classification Sherloc (09022015). Collection method: clinical testing. Allele origin: germline.
Comment: In summary, the available evidence is currently insufficient to determine the role of this variant in disease. Therefore, it has been classified as a Variant of Uncertain Significance. Algorithms developed to predict the effect of missense changes on protein structure and function are either unavailable or do not agree on the potential impact of this missense change (SIFT: "Not Available"; PolyPhen-2: "Probably Damaging"; Align-GVGD: "Not Available"). This variant has not been reported in the literature in individuals affected with UNC80-related conditions. This variant is not present in population databases (gnomAD no frequency). This sequence change replaces proline, which is neutral and non-polar, with leucine, which is neutral and non-polar, at codon 2730 of the UNC80 protein (p.Pro2730Leu).